The following is an entry in ClinVar:

ClinVar aggregate classification (germline): Uncertain significance. Review status: criteria provided, multiple submitters, no conflicts (2 of 4 stars). 2 submissions from 2 submitters: Uncertain significance (2). Last evaluated 2024-05-17.

Conditions:
Hypertrophic cardiomyopathy. Also called: HYPERTROPHIC MYOCARDIOPATHY. Identifiers: Orphanet 217569, MedGen C0007194, MeSH D002312, MONDO:0005045, HP:0001639.

gnomAD v4.1: 1 of 1,610,866 alleles (0.000062%); highest among the groups gnomAD compares: South Asian, 0.0011%; no homozygotes.

Submissions (2):

All of Us Research Program, National Institutes of Health
Classification: Uncertain significance for Hypertrophic cardiomyopathy. Last evaluated: 2024-05-17. Review status: criteria provided, single submitter. Criteria: ACMG Guidelines, 2015. Collection method: clinical testing. Allele origin: germline. Inheritance: Autosomal dominant inheritance. Observed: 1 variant allele, 1 heterozygote.
Comment: This study involves interpretation of variants in research participants for the purpose of population health screening. Participant phenotype was not available at the time of variant classification. Additional details can be found in publication PMID: 35346344, PMCID: PMC8962531

Labcorp Genetics (formerly Invitae), Labcorp
Classification: Uncertain significance for Hypertrophic cardiomyopathy. Last evaluated: 2024-02-13. Review status: criteria provided, single submitter. Criteria: Invitae Variant Classification Sherloc (09022015). Collection method: clinical testing. Allele origin: germline.
Comment: This sequence change replaces cysteine, which is neutral and slightly polar, with tyrosine, which is neutral and polar, at codon 1124 of the MYBPC3 protein (p.Cys1124Tyr). The frequency data for this variant in the population databases is considered unreliable, as metrics indicate poor data quality at this position in the gnomAD database. This variant has not been reported in the literature in individuals affected with MYBPC3-related conditions. An algorithm developed to predict the effect of missense changes on protein structure and function (PolyPhen-2) suggests that this variant is likely to be disruptive. In summary, the available evidence is currently insufficient to determine the role of this variant in disease. Therefore, it has been classified as a Variant of Uncertain Significance.

NM_000256.3(MYBPC3):c.3371G>A (p.Cys1124Tyr)

Gene: MYBPC3 (myosin binding protein C3; minus strand). Cytogenetic location: 11p11.2.
Variant type: single nucleotide variant.
Coding change: c.3371G>A on transcript NM_000256.3 (MANE Select); coding-DNA position 3371, G replaced by A.
Protein change: p.Cys1124Tyr; replaces cysteine 1124 with tyrosine.
Molecular consequence: missense variant.
Genome position (GRCh38, 1-based): chr11:47,332,933, C>T on the plus strand (G>A on the coding strand, the complement: MYBPC3 is on the minus strand). VCF-style: chr11-47332933-C-T. GRCh37 (hg19) VCF-style: chr11-47354484-C-T.
Other names: short protein forms C1124Y.
Identifiers: ClinVar variation 3387093 (VCV003387093.3).